The following is an entry in ClinVar:

NM_000059.4(BRCA2):c.2622dup (p.Val875fs)

Gene: BRCA2 (BRCA2 DNA repair associated; plus strand). Cytogenetic location: 13q13.1.
Variant type: Duplication.
Coding change: c.2622dup on transcript NM_000059.4 (MANE Select); coding-DNA position 2622, one base duplicated (T; older notation c.2622dupT).
Protein change: p.Val875fs; shifts the reading frame from valine 875.
Molecular consequence: frameshift variant.
Genome position (GRCh38, 1-based): chr13:32,336,977, T duplicated. VCF-style (leftmost placement, unchanged base first): chr13-32336976-C-CT. GRCh37 (hg19) VCF-style: chr13-32911113-C-CT.
Other names: c.2622dupT (NM_000059.3); short protein forms V875fs.
Identifiers: ClinVar variation 254504 (VCV000254504.4), dbSNP rs886038076, ClinGen allele CA10586503.

ClinVar aggregate classification (germline): Pathogenic (3 of 4 stars; one submission).

Conditions:
Breast-ovarian cancer, familial, susceptibility to, 2 (BROVCA2). Also called: BRCA2 Hereditary Breast and Ovarian Cancer. Identifiers: Orphanet 145, MedGen C2675520, MONDO:0012933, OMIM 612555. Disease mechanism: loss of function.

Submission:

Evidence-based Network for the Interpretation of Germline Mutant Alleles (ENIGMA)
Classification: Pathogenic for Breast-ovarian cancer, familial, susceptibility to, 2. Last evaluated: 2016-09-08. Review status: reviewed by expert panel. Criteria: ENIGMA BRCA1/2 Classification Criteria (2015). Collection method: curation. Allele origin: germline.
Comment: Variant allele predicted to encode a truncated non-functional protein.